The following is an entry in ClinVar:

NM_000059.4(BRCA2):c.3996T>G (p.His1332Gln)

Gene: BRCA2 (BRCA2 DNA repair associated; plus strand). Cytogenetic location: 13q13.1.
Variant type: single nucleotide variant.
Coding change: c.3996T>G on transcript NM_000059.4 (MANE Select); coding-DNA position 3996, T replaced by G.
Protein change: p.His1332Gln; replaces histidine 1332 with glutamine.
Molecular consequence: missense variant.
Genome position (GRCh38, 1-based): chr13:32,338,351, T>G. VCF-style: chr13-32338351-T-G. GRCh37 (hg19) VCF-style: chr13-32912488-T-G.
Other names: short protein forms H1332Q.
Identifiers: ClinVar variation 845284 (VCV000845284.8), dbSNP rs1593901143, ClinGen allele CA387778984.
Genomic context (GRCh38, chr13:32,338,351, plus strand): 5'-TTACAAGAGAAATACTGAAAATGAAGATAACAAATATACTGCTGCCAGTAGAAATTCTCA[T>G]AACTTAGAATTTGATGGCAGTGATTCAAGTAAAAATGATACTGTTTGTATTCATAAAGAT-3'
Protein context (NP_000050.3, residues 1322-1342): NKYTAASRNS[His1332Gln]NLEFDGSDSS

ClinVar aggregate classification (germline): Conflicting classifications of pathogenicity. Review status: criteria provided, conflicting classifications (1 of 4 stars). 2 submissions from 2 submitters: Uncertain significance (1); Likely benign (1). Last evaluated 2023-03-23.

Conditions:
Hereditary breast ovarian cancer syndrome. Also called: Breast and ovarian cancer; Hereditary breast and ovarian cancer; Hereditary breast and/or ovarian cancer syndrome; BRCA1- and BRCA2-Associated Hereditary Breast and Ovarian Cancer; Hereditary breast and ovarian cancer syndrome; Hereditary breast and ovarian cancer syndrome (HBOC). Identifiers: Orphanet 145, MedGen C0677776, MeSH D061325, MONDO:0003582. Disease mechanism: loss of function.
Hereditary cancer-predisposing syndrome. Also called: Tumor predisposition; Hereditary neoplastic syndrome; Neoplastic Syndromes, Hereditary; Hereditary Cancer Syndrome. Identifiers: Orphanet 140162, MedGen C0027672, MeSH D009386, MONDO:0015356.

Submissions (2):

University of Washington Department of Laboratory Medicine, University of Washington
Classification: Likely benign for Hereditary cancer-predisposing syndrome. Last evaluated: 2023-03-23. Review status: criteria provided, single submitter. Criteria: Dines et al. (Genet Med. 2020). Collection method: curation. Allele origin: germline.
Comment: Missense variant in a coldspot region where missense variants are very unlikely to be pathogenic (PMID:31911673).

BRCA2 exon 11 coldspot. Reclassification based on statistical prior probability.

Labcorp Genetics (formerly Invitae), Labcorp
Classification: Uncertain significance for Hereditary breast ovarian cancer syndrome. Last evaluated: 2021-08-26. Review status: criteria provided, single submitter. Criteria: Invitae Variant Classification Sherloc (09022015). Collection method: clinical testing. Allele origin: germline.
Comment: This sequence change replaces histidine with glutamine at codon 1332 of the BRCA2 protein (p.His1332Gln). The histidine residue is weakly conserved and there is a small physicochemical difference between histidine and glutamine. This variant is not present in population databases (ExAC no frequency). This variant has not been reported in the literature in individuals affected with BRCA2-related conditions. Algorithms developed to predict the effect of missense changes on protein structure and function (SIFT, PolyPhen-2, Align-GVGD) all suggest that this variant is likely to be tolerated. In summary, the available evidence is currently insufficient to determine the role of this variant in disease. Therefore, it has been classified as a Variant of Uncertain Significance.